The following is an entry in ClinVar:

ClinVar aggregate classification (germline): Uncertain significance (1 of 4 stars; one submission).

Conditions:
Leber congenital amaurosis 1 (LCA1). Also called: Congenital absence of the rods and cones; Leber's congenital tapetoretinal degeneration; Leber's congenital tapetoretinal dysplasia; AMAUROSIS CONGENITA OF LEBER I; RETINAL BLINDNESS, CONGENITAL. Identifiers: Orphanet 65, MedGen C2931258, MONDO:0008764, OMIM 204000.
Cone-rod dystrophy 6 (CORD6). Also called: Cone dystrophy progressive; RETINAL CONE DYSTROPHY 2. Identifiers: Orphanet 1872, MedGen C1866293, MONDO:0011143, OMIM 601777.

Submission:

Labcorp Genetics (formerly Invitae), Labcorp
Classification: Uncertain significance for Leber congenital amaurosis 1; Cone-rod dystrophy 6. Last evaluated: 2024-11-05. Review status: criteria provided, single submitter. Criteria: Invitae Variant Classification Sherloc (09022015). Collection method: clinical testing. Allele origin: germline.
Comment: This sequence change replaces histidine, which is basic and polar, with arginine, which is basic and polar, at codon 589 of the GUCY2D protein (p.His589Arg). This variant is not present in population databases (gnomAD no frequency). This variant has not been reported in the literature in individuals affected with GUCY2D-related conditions. ClinVar contains an entry for this variant (Variation ID: 1055265). Invitae Evidence Modeling of protein sequence and biophysical properties (such as structural, functional, and spatial information, amino acid conservation, physicochemical variation, residue mobility, and thermodynamic stability) indicates that this missense variant is not expected to disrupt GUCY2D protein function with a negative predictive value of 80%. In summary, the available evidence is currently insufficient to determine the role of this variant in disease. Therefore, it has been classified as a Variant of Uncertain Significance.

NM_000180.4(GUCY2D):c.1766A>G (p.His589Arg)

Gene: GUCY2D (guanylate cyclase 2D, retinal; plus strand). Cytogenetic location: 17p13.1.
Variant type: single nucleotide variant.
Coding change: c.1766A>G on transcript NM_000180.4 (MANE Select); coding-DNA position 1766, A replaced by G.
Protein change: p.His589Arg; replaces histidine 589 with arginine.
Molecular consequence: missense variant.
Genome position (GRCh38, 1-based): chr17:8,012,160, A>G. VCF-style: chr17-8012160-A-G. GRCh37 (hg19) VCF-style: chr17-7915478-A-G.
Other names: short protein forms H589R.
Identifiers: ClinVar variation 1055265 (VCV001055265.9), dbSNP rs2151802328, ClinGen allele CA397951207.